The following is an entry in ClinVar:

NM_173354.5(SIK1):c.2230G>A (p.Val744Met)

Gene: SIK1 (salt inducible kinase 1; minus strand). Cytogenetic location: 21q22.3.
Variant type: single nucleotide variant.
Coding change: c.2230G>A on transcript NM_173354.5 (MANE Select); coding-DNA position 2230, G replaced by A.
Protein change: p.Val744Met; replaces valine 744 with methionine.
Molecular consequence: missense variant.
Genome position (GRCh38, 1-based): chr21:43,416,864, C>T on the plus strand (G>A on the coding strand, the complement: SIK1 is on the minus strand). VCF-style: chr21-43416864-C-T. GRCh37 (hg19) VCF-style: chr21-44836744-C-T.
Other names: short protein forms V744M.
Identifiers: ClinVar variation 2809841 (VCV002809841.3), dbSNP rs541090322, ClinGen allele CA321324291.

ClinVar aggregate classification (germline): Uncertain significance (1 of 4 stars; one submission).

Conditions:
Developmental and epileptic encephalopathy, 30 (DEE30). Also called: Epileptic encephalopathy, early infantile, 30. Identifiers: MedGen C4225360, MONDO:0014595, OMIM 616341.

Allele frequency attached by ClinVar (database versions not stated): 1000 Genomes Project 0.00020.

Submission:

Labcorp Genetics (formerly Invitae), Labcorp
Classification: Uncertain significance for Developmental and epileptic encephalopathy, 30. Last evaluated: 2023-12-05. Review status: criteria provided, single submitter. Criteria: Invitae Variant Classification Sherloc (09022015). Collection method: clinical testing. Allele origin: germline.
Comment: This sequence change replaces valine, which is neutral and non-polar, with methionine, which is neutral and non-polar, at codon 744 of the SIK1 protein (p.Val744Met). This variant is not present in population databases (gnomAD no frequency). This variant has not been reported in the literature in individuals affected with SIK1-related conditions. Advanced modeling of protein sequence and biophysical properties (such as structural, functional, and spatial information, amino acid conservation, physicochemical variation, residue mobility, and thermodynamic stability) performed at Invitae indicates that this missense variant is not expected to disrupt SIK1 protein function with a negative predictive value of 95%. In summary, the available evidence is currently insufficient to determine the role of this variant in disease. Therefore, it has been classified as a Variant of Uncertain Significance.